The following is an entry in ClinVar:

ClinVar aggregate classification (germline): Conflicting classifications of pathogenicity. Review status: criteria provided, conflicting classifications (1 of 4 stars). 12 submissions from 9 submitters: Uncertain significance (2); Benign (7); Likely benign (1). 2 of the submissions do not count toward it. Last evaluated 2026-01-28.

Conditions:
Hereditary hyperinsulinism.
Transitory neonatal diabetes mellitus. Also called: Transient neonatal diabetes mellitus. Identifiers: MedGen C0342273, MONDO:0020525, HP:0008255.
Maturity-onset diabetes of the young (MODY). Also called: Maturity onset diabetes mellitus in young. Identifiers: Orphanet 552, MedGen C0342276, MONDO:0018911, HP:0004904.
Permanent neonatal diabetes mellitus (PNDM). Identifiers: Orphanet 99885, MedGen C1833104, MONDO:0100164, MONDO:0011643. Disease mechanism: gain of function.
Diabetes mellitus, transient neonatal, 2 (TNDM2). Identifiers: Orphanet 99886, MedGen C1835887, MONDO:0012480, OMIM 610374. Disease mechanism: loss of function.
Hyperinsulinemic hypoglycemia, familial, 1 (HHF1). Also called: Persistent hyperinsulinemic hypoglycemia of infancy; Persistent Hyperinsulinemia Hypoglycemia of Infancy; HYPERINSULINISM, FAMILIAL, WITH PANCREATIC NESIDIOBLASTOSIS; HYPOGLYCEMIA, HYPERINSULINEMIC, OF INFANCY; NESIDIOBLASTOSIS OF PANCREAS. Identifiers: Orphanet 276575, Orphanet 276598, MedGen C2931832, MONDO:0009734, OMIM 256450.

Allele frequency attached by ClinVar (database versions not stated): gnomAD exomes 0.00336; ExAC 0.00420; gnomAD 0.01271 and 0.01375; 1000 Genomes Project 0.01338; 1000 Genomes Project 30x 0.01390; TOPMed 0.01410; ESP Exome Variant Server 0.01494.

Submissions (12):

Labcorp Genetics (formerly Invitae), Labcorp
Classification: Benign. Last evaluated: 2026-01-28. Review status: criteria provided, single submitter. Criteria: Invitae Variant Classification Sherloc (09022015). Collection method: clinical testing. Allele origin: germline.

ARUP Laboratories, Molecular Genetics and Genomics, ARUP Laboratories
Classification: Benign. Last evaluated: 2025-06-24. Review status: criteria provided, single submitter. Criteria: ARUP Molecular Germline Variant Investigation Process 2024. Collection method: clinical testing. Allele origin: germline.

GeneDx
Classification: Benign. Last evaluated: 2020-03-12. Review status: criteria provided, single submitter. Criteria: GeneDx Variant Classification Process June 2021. Collection method: clinical testing. Allele origin: germline. Affected: yes.

Illumina Laboratory Services, Illumina
Classification: Benign for Permanent neonatal diabetes mellitus 1. Last evaluated: 2018-01-12. Review status: criteria provided, single submitter. Criteria: ICSL Variant Classification Criteria 13 December 2019. Collection method: clinical testing. Allele origin: germline.
Comment: This variant was observed in the ICSL laboratory as part of a predisposition screen in an ostensibly healthy population. It had not been previously curated by ICSL or reported in the Human Gene Mutation Database (HGMD: prior to June 1st, 2018), and was therefore a candidate for classification through an automated scoring system. Utilizing variant allele frequency, disease prevalence and penetrance estimates, and inheritance mode, an automated score was calculated to assess if this variant is too frequent to cause the disease. Based on the score and internal cut-off values, a variant classified as benign is not then subjected to further curation. The score for this variant resulted in a classification of benign for this disease.

Illumina Laboratory Services, Illumina
Classification: Likely benign for Hyperinsulinemic hypoglycemia, familial, 1. Last evaluated: 2018-01-12. Review status: criteria provided, single submitter. Criteria: ICSL Variant Classification Criteria 13 December 2019. Collection method: clinical testing. Allele origin: germline.
Comment: This variant was observed in the ICSL laboratory as part of a predisposition screen in an ostensibly healthy population. It had not been previously curated by ICSL or reported in the Human Gene Mutation Database (HGMD: prior to June 1st, 2018), and was therefore a candidate for classification through an automated scoring system. Utilizing variant allele frequency, disease prevalence and penetrance estimates, and inheritance mode, an automated score was calculated to assess if this variant is too frequent to cause the disease. Based on the score and internal cut-off values, a variant classified as likely benign is not then subjected to further curation. The score for this variant resulted in a classification of likely benign for this disease.

Illumina Laboratory Services, Illumina
Classification: Benign for Diabetes mellitus, transient neonatal, 2. Last evaluated: 2018-01-12. Review status: criteria provided, single submitter. Criteria: ICSL Variant Classification Criteria 13 December 2019. Collection method: clinical testing. Allele origin: germline.
Comment: the same text as in the submission from Illumina Laboratory Services, Illumina above.

Athena Diagnostics
Classification: Benign. Last evaluated: 2017-11-06. Review status: criteria provided, single submitter. Criteria: Athena Diagnostics Criteria. Collection method: clinical testing. Allele origin: germline.

Clinical Genomics, Uppaluri K&H Personalized Medicine Clinic
Classification: Uncertain significance for Maturity-onset diabetes of the young. Review status: criteria provided, single submitter. Criteria: K & H Uppaluri Personalized Medicine Clinic Variant Classification & Assertion Criteria_Updated V.1. Collection method: research. Allele origin: unknown. Inheritance: Somatic mutation.
Comment: Mutations in ABCC8 gene are associated with both neonatal diabetes mellitus as well as MODY. Patients with this mutation may have a better response to sulfonylureas. However, no sufficient evidence is found to ascertain the role of this particular variant ( rs60824529) in MODY yet.

Clinical Genomics, Uppaluri K&H Personalized Medicine Clinic
Classification: Uncertain significance for Transitory neonatal diabetes mellitus. Review status: criteria provided, single submitter. Criteria: K & H Uppaluri Personalized Medicine Clinic Variant Classification & Assertion Criteria_Updated V.1. Collection method: research. Allele origin: unknown.
Comment: Mutations in ABCC8 gene are associated with both neonatal diabetes mellitus as well as MODY. Patients with this mutation may have a better response to sulfonylureas. However, no sufficient evidence is found to ascertain the role of this particular variant ( rs60824529) in neonatal diabetes yet.

PreventionGenetics, part of Exact Sciences
Classification: Benign. Review status: criteria provided, single submitter. Criteria: ACMG Guidelines, 2015. Collection method: clinical testing. Allele origin: germline.

Natera, Inc.
Classification: Likely benign for Hereditary hyperinsulinism. Last evaluated: 2019-12-02. Review status: no assertion criteria provided. Collection method: clinical testing. Allele origin: germline. Not counted in ClinVar's aggregate classification.

Genetic Services Laboratory, University of Chicago
Classification: Likely benign. Review status: no assertion criteria provided. Collection method: clinical testing. Allele origin: germline. Inheritance: Autosomal unknown. Not counted in ClinVar's aggregate classification.
Comment: Likely benign based on allele frequency in 1000 Genomes Project or ESP global frequency and its presence in a patient with a rare or unrelated disease phenotype. NOT Sanger confirmed

Literature cited by the submitters: PubMed 16885549 (cited by Clinical Genomics, Uppaluri K&H Personalized Medicine Clinic); PubMed 21989597 (cited by Clinical Genomics, Uppaluri K&H Personalized Medicine Clinic); PubMed 27538677 (cited by Clinical Genomics, Uppaluri K&H Personalized Medicine Clinic); PubMed 18981553 (cited by Clinical Genomics, Uppaluri K&H Personalized Medicine Clinic); PubMed 32027066 (cited by Clinical Genomics, Uppaluri K&H Personalized Medicine Clinic); PubMed 16613899 (cited by Clinical Genomics, Uppaluri K&H Personalized Medicine Clinic); PubMed 18025408 (cited by Clinical Genomics, Uppaluri K&H Personalized Medicine Clinic); PubMed 32792356 (cited by Clinical Genomics, Uppaluri K&H Personalized Medicine Clinic).

NM_000352.6(ABCC8):c.1158C>T (p.Asn386=)

Gene: ABCC8 (ATP binding cassette subfamily C member 8; minus strand). Cytogenetic location: 11p15.1.
Variant type: single nucleotide variant.
Coding change: c.1158C>T on transcript NM_000352.6 (MANE Select); coding-DNA position 1158, C replaced by T.
Protein change: p.Asn386=; no amino-acid change (asparagine 386 retained).
Molecular consequence: synonymous variant. On other transcripts: non-coding transcript variant (1).
Genome position (GRCh38, 1-based): chr11:17,453,137, G>A on the plus strand (C>T on the coding strand, the complement: ABCC8 is on the minus strand). VCF-style: chr11-17453137-G-A. GRCh37 (hg19) VCF-style: chr11-17474684-G-A.
Other names: c.1158C>T, p.Asn386= (NM_001287174.3, NM_001351295.2); c.1155C>T, p.Asn385= (NM_001351296.2, NM_001351297.2).
Identifiers: ClinVar variation 157681 (VCV000157681.30), dbSNP rs60824529, ClinGen allele CA171036.
Genomic context (GRCh38, chr11:17,453,137, plus strand): 5'-AATGGTTCTTATGGCAAAGTGAAAAAATAATCATCCAAGTACCTGTATTGCTCCTCTCAA[G>A]TTAATTCCAGTTTCAATGGCCACATAGTAGGATGCTTGCAGAAATGTCCTTTGCAGTAGG-3'
Protein context (NP_000343.2, residues 376-396): SYYVAIETGI[Asn386=]LRGAIQTKIY